The following is an entry in ClinVar:

NM_198586.3(NHLRC1):c.226C>T (p.Arg76Trp)

Gene: NHLRC1 (NHL repeat containing E3 ubiquitin protein ligase 1; minus strand). Cytogenetic location: 6p22.3.
Variant type: single nucleotide variant.
Coding change: c.226C>T on transcript NM_198586.3 (MANE Select); coding-DNA position 226, C replaced by T.
Protein change: p.Arg76Trp; replaces arginine 76 with tryptophan.
Molecular consequence: missense variant.
Genome position (GRCh38, 1-based): chr6:18,122,381, G>A on the plus strand (C>T on the coding strand, the complement: NHLRC1 is on the minus strand). VCF-style: chr6-18122381-G-A. GRCh37 (hg19) VCF-style: chr6-18122612-G-A.
Other names: short protein forms R76W.
Identifiers: ClinVar variation 2057198 (VCV002057198.4), dbSNP rs1299266525, ClinGen allele CA362829243.

ClinVar aggregate classification (germline): Uncertain significance (1 of 4 stars; one submission).

Conditions:
Lafora disease. Also called: Epilepsy progressive myoclonic 2; Progressive Myoclonus Epilepsy, Lafora Type. Identifiers: Orphanet 501, MedGen C0751783, MONDO:0009697.

Allele frequency attached by ClinVar (database versions not stated): gnomAD exomes below 0.00001.
gnomAD v4.1: 2 of 1,576,068 alleles (0.00013%); highest among the groups gnomAD compares: Non-Finnish European, 0.00017%; no homozygotes.

Submission:

Labcorp Genetics (formerly Invitae), Labcorp
Classification: Uncertain significance for Lafora disease. Last evaluated: 2024-02-16. Review status: criteria provided, single submitter. Criteria: Invitae Variant Classification Sherloc (09022015). Collection method: clinical testing. Allele origin: germline.
Comment: This sequence change replaces arginine, which is basic and polar, with tryptophan, which is neutral and slightly polar, at codon 76 of the NHLRC1 protein (p.Arg76Trp). This variant is not present in population databases (gnomAD no frequency). This variant has not been reported in the literature in individuals affected with NHLRC1-related conditions. ClinVar contains an entry for this variant (Variation ID: 2057198). Advanced modeling of protein sequence and biophysical properties (such as structural, functional, and spatial information, amino acid conservation, physicochemical variation, residue mobility, and thermodynamic stability) performed at Invitae indicates that this missense variant is not expected to disrupt NHLRC1 protein function with a negative predictive value of 80%. In summary, the available evidence is currently insufficient to determine the role of this variant in disease. Therefore, it has been classified as a Variant of Uncertain Significance.